The following is an entry in ClinVar:

NM_006946.4(SPTBN2):c.2503G>A (p.Glu835Lys)

Gene: SPTBN2 (spectrin beta, non-erythrocytic 2; minus strand). Cytogenetic location: 11q13.2.
Variant type: single nucleotide variant.
Coding change: c.2503G>A on transcript NM_006946.4 (MANE Select); coding-DNA position 2503, G replaced by A.
Protein change: p.Glu835Lys; replaces glutamic acid 835 with lysine.
Molecular consequence: missense variant.
Genome position (GRCh38, 1-based): chr11:66,704,773, C>T on the plus strand (G>A on the coding strand, the complement: SPTBN2 is on the minus strand). VCF-style: chr11-66704773-C-T. GRCh37 (hg19) VCF-style: chr11-66472244-C-T.
Other names: short protein forms E835K.
Identifiers: ClinVar variation 711065 (VCV000711065.20), dbSNP rs36054877, ClinGen allele CA6129106.

ClinVar aggregate classification (germline): Benign/Likely benign. Review status: criteria provided, multiple submitters, no conflicts (2 of 4 stars). 4 submissions from 4 submitters: Benign (2); Likely benign (2). Last evaluated 2025-10-06.

Allele frequency attached by ClinVar (database versions not stated): gnomAD exomes 0.00037 and 0.00088; ExAC 0.00129; 1000 Genomes Project 0.00180; 1000 Genomes Project 30x 0.00203; ESP Exome Variant Server 0.00344; gnomAD 0.00394 and 0.00433; TOPMed 0.00494.

Submissions (4):

Labcorp Genetics (formerly Invitae), Labcorp
Classification: Benign. Last evaluated: 2025-10-06. Review status: criteria provided, single submitter. Criteria: Invitae Variant Classification Sherloc (09022015). Collection method: clinical testing. Allele origin: germline.

CeGaT Center for Human Genetics Tuebingen
Classification: Likely benign. Last evaluated: 2025-09-01. Review status: criteria provided, single submitter. Criteria: CeGaT Center For Human Genetics Tuebingen Variant Classification Criteria Version 2. Collection method: clinical testing. Allele origin: germline. Affected: yes. Observed: 1 variant allele.
Comment: SPTBN2: BS1

Athena Diagnostics
Classification: Benign. Last evaluated: 2024-04-29. Review status: criteria provided, single submitter. Criteria: Athena Diagnostics Criteria. Collection method: clinical testing. Allele origin: unknown.

GeneDx
Classification: Likely benign. Last evaluated: 2023-06-01. Review status: criteria provided, single submitter. Criteria: GeneDx Variant Classification Process June 2021. Collection method: clinical testing. Allele origin: germline. Affected: yes.
Comment: See Variant Classification Assertion Criteria.

Literature cited by the submitters: PubMed 17940722 (cited by Athena Diagnostics).